The following is an entry in ClinVar:

NM_003072.5(SMARCA4):c.3619G>A (p.Val1207Ile)

Gene: SMARCA4 (SWI/SNF related BAF chromatin remodeling complex subunit ATPase 4; plus strand). Cytogenetic location: 19p13.2.
Variant type: single nucleotide variant.
Coding change: c.3619G>A on transcript NM_003072.5 (MANE Select); coding-DNA position 3619, G replaced by A.
Protein change: p.Val1207Ile; replaces valine 1207 with isoleucine.
Molecular consequence: missense variant. On other transcripts: non-coding transcript variant (1).
Genome position (GRCh38, 1-based): chr19:11,033,362, G>A. VCF-style: chr19-11033362-G-A. GRCh37 (hg19) VCF-style: chr19-11144038-G-A.
Other names: c.3619G>A, p.Val1207Ile (NM_001374457.1, NM_001128844.3, NM_001128845.2 and 4 more transcripts); short protein forms V1207I.
Identifiers: ClinVar variation 1007557 (VCV001007557.11), dbSNP rs201974258, ClinGen allele CA9204479.
Genomic context (GRCh38, chr19:11,033,362, plus strand): 5'-CAGGACCGAGCCCACCGCATCGGGCAGCAGAACGAGGTGCGTGTGCTCCGCCTCTGCACC[G>A]TCAACAGCGTGGAGGAGAAGATCCTAGCTGCAGCCAAGTACAAGCTCAACGTGGACCAGA-3'
Protein context (NP_003063.2, residues 1197-1217): NEVRVLRLCT[Val1207Ile]NSVEEKILAA

ClinVar aggregate classification (germline): Uncertain significance. Review status: criteria provided, multiple submitters, no conflicts (2 of 4 stars). 2 submissions from 2 submitters: Uncertain significance (2). Last evaluated 2025-11-25.

Conditions:
Rhabdoid tumor predisposition syndrome 2 (RTPS2). Identifiers: Orphanet 231108, Orphanet 69077, MedGen C2750074, MONDO:0013224, OMIM 613325.
Hereditary cancer-predisposing syndrome. Also called: Tumor predisposition; Hereditary neoplastic syndrome; Neoplastic Syndromes, Hereditary; Hereditary Cancer Syndrome. Identifiers: Orphanet 140162, MedGen C0027672, MeSH D009386, MONDO:0015356.

Allele frequency attached by ClinVar (database versions not stated): gnomAD exomes below 0.00001; ExAC 0.00001; gnomAD 0.00001; 1000 Genomes Project 30x 0.00016; 1000 Genomes Project 0.00020.

Submissions (2):

Labcorp Genetics (formerly Invitae), Labcorp
Classification: Uncertain significance for Rhabdoid tumor predisposition syndrome 2. Last evaluated: 2025-11-25. Review status: criteria provided, single submitter. Criteria: Invitae Variant Classification Sherloc (09022015). Collection method: clinical testing. Allele origin: germline.
Comment: This sequence change replaces valine, which is neutral and non-polar, with isoleucine, which is neutral and non-polar, at codon 1207 of the SMARCA4 protein (p.Val1207Ile). This variant is present in population databases (rs201974258, gnomAD 0.007%). This variant has not been reported in the literature in individuals affected with SMARCA4-related conditions. ClinVar contains an entry for this variant (Variation ID: 1007557). Invitae Evidence Modeling of protein sequence and biophysical properties (such as structural, functional, and spatial information, amino acid conservation, physicochemical variation, residue mobility, and thermodynamic stability) has been performed for this missense variant. However, the output from this modeling did not meet the statistical confidence thresholds required to predict the impact of this variant on SMARCA4 protein function. In summary, the available evidence is currently insufficient to determine the role of this variant in disease. Therefore, it has been classified as a Variant of Uncertain Significance.

Ambry Genetics
Classification: Uncertain significance for Hereditary cancer-predisposing syndrome. Last evaluated: 2024-01-30. Review status: criteria provided, single submitter. Criteria: Ambry Variant Classification Scheme 2023. Collection method: clinical testing. Allele origin: germline.
Comment: The p.V1207I variant (also known as c.3619G>A), located in coding exon 25 of the SMARCA4 gene, results from a G to A substitution at nucleotide position 3619. The valine at codon 1207 is replaced by isoleucine, an amino acid with highly similar properties. This amino acid position is highly conserved in available vertebrate species. In addition, the in silico prediction for this alteration is inconclusive. Based on the available evidence, the clinical significance of this alteration remains unclear.